The following is an entry in ClinVar:

NM_001367805.3(KIF23):c.517C>T (p.Arg173Cys)

Gene: KIF23 (kinesin family member 23; plus strand). Cytogenetic location: 15q23.
Variant type: single nucleotide variant.
Coding change: c.517C>T on transcript NM_001367805.3 (MANE Select); coding-DNA position 517, C replaced by T.
Protein change: p.Arg173Cys; replaces arginine 173 with cysteine.
Molecular consequence: missense variant. On other transcripts: non-coding transcript variant (2).
Genome position (GRCh38, 1-based): chr15:69,422,389, C>T. VCF-style: chr15-69422389-C-T. GRCh37 (hg19) VCF-style: chr15-69714728-C-T.
Other names: c.187C>T, p.Arg63Cys (NM_001281301.2); c.517C>T, p.Arg173Cys (NM_001367804.2, NM_004856.7, NM_138555.4); short protein forms R63C, R173C.
Identifiers: ClinVar variation 2515808 (VCV002515808.5), dbSNP rs201269884, ClinGen allele CA7634923.
Genomic context (GRCh38, chr15:69,422,389, plus strand): 5'-TTCAAATCTAATGATAGGAATAGTATGGATATACAGTGTGAGGTTGATGCCTTATTAGAA[C>T]GTCAGAAAAGAGAAGCTATGCCCAATCCAAAGACTTCTTCTAGCAAGTAAGTAATTATAT-3'
Protein context (NP_001354734.1, residues 163-183): IQCEVDALLE[Arg173Cys]QKREAMPNPK

ClinVar aggregate classification (germline): Uncertain significance. Review status: criteria provided, multiple submitters, no conflicts (2 of 4 stars). 2 submissions from 2 submitters: Uncertain significance (2). Last evaluated 2025-11-04.

Allele frequency attached by ClinVar (database versions not stated): gnomAD exomes 0.00002; gnomAD 0.00004; ExAC 0.00002; TOPMed 0.00006.
gnomAD v4.1: 33 of 1,609,900 alleles (0.002%); highest among the groups gnomAD compares: Non-Finnish European, 0.0028%; no homozygotes.

Submissions (2):

Labcorp Genetics (formerly Invitae), Labcorp
Classification: Uncertain significance. Last evaluated: 2025-11-04. Review status: criteria provided, single submitter. Criteria: Invitae Variant Classification Sherloc (09022015). Collection method: clinical testing. Allele origin: germline.
Comment: This sequence change replaces arginine, which is basic and polar, with cysteine, which is neutral and slightly polar, at codon 173 of the KIF23 protein (p.Arg173Cys). This variant is present in population databases (rs201269884, gnomAD 0.007%). This variant has not been reported in the literature in individuals affected with KIF23-related conditions. ClinVar contains an entry for this variant (Variation ID: 2515808). An algorithm developed to predict the effect of missense changes on protein structure and function (PolyPhen-2) suggests that this variant is likely to be disruptive. In summary, the available evidence is currently insufficient to determine the role of this variant in disease. Therefore, it has been classified as a Variant of Uncertain Significance.

Ambry Genetics
Classification: Uncertain significance. Last evaluated: 2023-06-05. Review status: criteria provided, single submitter. Criteria: Ambry Variant Classification Scheme 2023. Collection method: clinical testing. Allele origin: germline.